The following is an entry in ClinVar:

ClinVar aggregate classification (germline): Uncertain significance (1 of 4 stars; one submission).

Submission:

Ambry Genetics
Classification: Uncertain significance. Last evaluated: 2025-03-30. Review status: criteria provided, single submitter. Criteria: Ambry Variant Classification Scheme 2023. Collection method: clinical testing. Allele origin: germline.
Comment: The p.P538L variant (also known as c.1613C>T), located in coding exon 8 of the RNF43 gene, results from a C to T substitution at nucleotide position 1613. The proline at codon 538 is replaced by leucine, an amino acid with similar properties. This amino acid position is conserved. In addition, this alteration is predicted to be tolerated by in silico analysis. Based on the available evidence, the clinical significance of this variant remains unclear.

NM_017763.6(RNF43):c.1613C>T (p.Pro538Leu)

Gene: RNF43 (ring finger protein 43; minus strand). Cytogenetic location: 17q22.
Variant type: single nucleotide variant.
Coding change: c.1613C>T on transcript NM_017763.6 (MANE Select); coding-DNA position 1613, C replaced by T.
Protein change: p.Pro538Leu; replaces proline 538 with leucine.
Molecular consequence: missense variant.
Genome position (GRCh38, 1-based): chr17:58,358,163, G>A on the plus strand (C>T on the coding strand, the complement: RNF43 is on the minus strand). VCF-style: chr17-58358163-G-A. GRCh37 (hg19) VCF-style: chr17-56435524-G-A.
Other names: c.1613C>T, p.Pro538Leu (NM_001305544.3); c.1232C>T, p.Pro411Leu (NM_001305545.2); short protein forms P411L, P538L.
Identifiers: ClinVar variation 3946839 (VCV003946839.1).